The following is an entry in ClinVar:

NM_001171.6(ABCC6):c.3341G>A (p.Arg1114His)

Gene: ABCC6 (ATP binding cassette subfamily C member 6; minus strand). Cytogenetic location: 16p13.11.
Variant type: single nucleotide variant.
Coding change: c.3341G>A on transcript NM_001171.6 (MANE Select); coding-DNA position 3341, G replaced by A.
Protein change: p.Arg1114His; replaces arginine 1114 with histidine.
Molecular consequence: missense variant.
Genome position (GRCh38, 1-based): chr16:16,163,158, C>T on the plus strand (G>A on the coding strand, the complement: ABCC6 is on the minus strand). VCF-style: chr16-16163158-C-T. GRCh37 (hg19) VCF-style: chr16-16257015-C-T.
Other names: c.2999G>A, p.Arg1000His (NM_001351800.1); short protein forms R1114H, R1000H.
Identifiers: ClinVar variation 433308 (VCV000433308.14), dbSNP rs63750427, ClinGen allele CA7925603.

ClinVar aggregate classification (germline): Conflicting classifications of pathogenicity. Review status: criteria provided, conflicting classifications (1 of 4 stars). 7 submissions from 7 submitters: Pathogenic (2); Likely pathogenic (3); Uncertain significance (1). 1 of the submissions does not count toward it. Last evaluated 2025-11-06.

Conditions:
ABCC6-related disorder. Also called: ABCC6-related condition.
Autosomal recessive inherited pseudoxanthoma elasticum (PXE). Identifiers: Orphanet 758, MedGen CN032334, MONDO:0009925, OMIM 264800.
Pseudoxanthoma elasticum, forme fruste. Also called: PSEUDOXANTHOMA ELASTICUM, HETEROZYGOUS; Pseudoxanthoma Elasticum, Incomplete. Identifiers: Orphanet 758, MedGen C1867450, MONDO:0008333, OMIM 177850.
Arterial calcification, generalized, of infancy, 2. Identifiers: Orphanet 51608, MedGen C3276161, MONDO:0013768, OMIM 614473.

Allele frequency attached by ClinVar (database versions not stated): gnomAD 0.00008 and 0.00009; ExAC 0.00002; TOPMed 0.00010.
gnomAD v4.1: 27 of 1,613,512 alleles (0.0017%); highest among the groups gnomAD compares: African/African-American, 0.015%; no homozygotes.

Submissions (7):

PreventionGenetics, part of Exact Sciences
Classification: Likely pathogenic for ABCC6-related condition. Last evaluated: 2025-11-06. Review status: criteria provided, single submitter. Criteria: ACMG Guidelines, 2015. Collection method: clinical testing. Allele origin: germline.
Comment: The ABCC6 c.3341G>A variant is predicted to result in the amino acid substitution p.Arg1114His. This variant has been reported alone or with a second ABCC6 variant in individuals with pseudoxanthoma elasticum (see, for example, Hu et al. 2003. PubMed ID: 12673275; Schulz et al. 2006. PubMed ID: 16835894; Supplemental Table, Gliem et al. 2014. PubMed ID: 24727260). This variant is reported in 0.0080% of alleles in individuals of African descent in gnomAD. Other missense variant affecting the same amino acid (p.Arg1114Cys, p.Arg1114Pro) have also been reported in individuals with pseudoxanthoma elasticum (Gheduzzi et al. 2004. PubMed ID: 15459974; Le Saux et al. 2000. PubMed ID: 10835642). This variant is interpreted as likely pathogenic.

Labcorp Genetics (formerly Invitae), Labcorp
Classification: Pathogenic. Last evaluated: 2025-08-29. Review status: criteria provided, single submitter. Criteria: Invitae Variant Classification Sherloc (09022015). Collection method: clinical testing. Allele origin: germline.
Comment: This sequence change replaces arginine, which is basic and polar, with histidine, which is basic and polar, at codon 1114 of the ABCC6 protein (p.Arg1114His). This variant is present in population databases (rs63750427, gnomAD 0.008%). This missense change has been observed in individuals with pseudoxanthoma elasticum (PMID: 16835894, 18157818, 18513494). ClinVar contains an entry for this variant (Variation ID: 433308). Invitae Evidence Modeling of protein sequence and biophysical properties (such as structural, functional, and spatial information, amino acid conservation, physicochemical variation, residue mobility, and thermodynamic stability) indicates that this missense variant is expected to disrupt ABCC6 protein function with a positive predictive value of 80%. This variant disrupts the p.Arg1114 amino acid residue in ABCC6. Other variant(s) that disrupt this residue have been observed in individuals with ABCC6-related conditions (PMID: 10835642, 16086317, 16127278, 17724214), which suggests that this may be a clinically significant amino acid residue. For these reasons, this variant has been classified as Pathogenic.

Blueprint Genetics
Classification: Uncertain significance. Last evaluated: 2023-07-21. Review status: criteria provided, single submitter. Criteria: ACMG Guidelines, 2015. Collection method: clinical testing. Allele origin: germline.

Fulgent Genetics
Classification: Likely pathogenic for Pseudoxanthoma elasticum, forme fruste; Autosomal recessive inherited pseudoxanthoma elasticum; Arterial calcification, generalized, of infancy, 2. Last evaluated: 2021-07-05. Review status: criteria provided, single submitter. Criteria: ACMG Guidelines, 2015. Collection method: clinical testing. Allele origin: unknown.

Genetics and Genomic Medicine Centre, NeuroGen Healthcare, NeuroGen Healthcare
Classification: Likely pathogenic for Arterial calcification, generalized, of infancy, 2. Last evaluated: 2020-03-14. Review status: criteria provided, single submitter. Criteria: Submitter's publication. Collection method: clinical testing. Allele origin: unknown. Affected: no.

Kariminejad - Najmabadi Pathology & Genetics Center
Classification: Pathogenic for Autosomal recessive inherited pseudoxanthoma elasticum. Review status: criteria provided, single submitter. Criteria: ACMG Guidelines, 2015. Collection method: clinical testing. Allele origin: germline. Affected: no.

PXE International
Classification: Pathogenic for Autosomal recessive inherited pseudoxanthoma elasticum. Last evaluated: 2021-03-01. Review status: no assertion criteria provided. Collection method: research. Allele origin: germline. Inheritance: Autosomal recessive inheritance. Affected: yes. Observed: 5 variant alleles. Clinical features observed: Papule (HP:0200034), Angioid streaks (HP:0001102), Skin plaque (HP:0200035), Retinal hemorrhage (HP:0000573), Global developmental delay (HP:0001263). Not counted in ClinVar's aggregate classification.

Literature cited by the submitters: PubMed 16835894 (cited by Labcorp Genetics (formerly Invitae), Labcorp); PubMed 18157818 (cited by Labcorp Genetics (formerly Invitae), Labcorp); PubMed 18513494 (cited by Labcorp Genetics (formerly Invitae), Labcorp); PubMed 10835642 (cited by Labcorp Genetics (formerly Invitae), Labcorp); PubMed 16086317 (cited by Labcorp Genetics (formerly Invitae), Labcorp); PubMed 16127278 (cited by Labcorp Genetics (formerly Invitae), Labcorp); PubMed 17724214 (cited by Labcorp Genetics (formerly Invitae), Labcorp); PubMed 32873932 (cited by PXE International).